The following is an entry in ClinVar:

ClinVar aggregate classification (germline): Likely pathogenic (1 of 4 stars; one submission).

Conditions:
Wilms tumor 7. Identifiers: MedGen C6065906, MONDO:0979876, OMIM 621332.

Submission:

Diller/Parad Lab, Dana-Farber/Harvard Cancer Center
Classification: Likely pathogenic for Wilms tumor 7. Last evaluated: 2026-05-29. Review status: criteria provided, single submitter. Criteria: ACMG Guidelines, 2015. Collection method: research. Allele origin: germline. Affected: yes.
Comment: It has been classified as Likely Pathogenic using Richards et al (PMID:25741868) based on the following evidence codes: PVS1, PM2.

NM_024426.6(WT1):c.691_694dup (p.Ser232fs)

Gene: WT1 (WT1 transcription factor; minus strand). Cytogenetic location: 11p13.
Variant type: Duplication.
Coding change: c.691_694dup on transcript NM_024426.6 (MANE Select); coding-DNA positions 691 to 694, 4 bases duplicated (CCCA; older notation c.691_694dupCCCA).
Protein change: p.Ser232fs; shifts the reading frame from serine 232.
Molecular consequence: frameshift variant. On other transcripts: 5 prime UTR variant (1), non-coding transcript variant (2), intron variant (2).
Genome position (GRCh38, 1-based): chr11:32,428,587-32,428,590, TGGG duplicated on the plus strand (CCCA on the coding strand, the reverse complement: WT1 is on the minus strand). VCF-style (leftmost placement, unchanged base first): chr11-32428586-C-CTGGG. GRCh37 (hg19) VCF-style: chr11-32450132-C-CTGGG.
Other names: c.691_694dup, p.Ser232fs (NM_000378.6, NM_001407044.1, NM_001407045.1 and 4 more transcripts); c.40_43dup, p.Ser15fs (NM_001198551.2, NM_001198552.2); c.-72_-69dup (NM_001407051.1); c.472_475dup, p.Ser159fs (NM_001429031.1, NM_001429032.1, NM_001429033.1 and 1 more transcripts); c.662-532_662-529dup (NM_001407050.1, NM_001407047.1); short protein forms S159fs, S15fs, S232fs.
Identifiers: ClinVar variation 4884461 (VCV004884461.1).